The following is an entry in ClinVar:

NM_000166.6(GJB1):c.68T>A (p.Val23Glu)

Gene: GJB1 (gap junction protein beta 1; plus strand). Cytogenetic location: Xq13.1.
Variant type: single nucleotide variant.
Coding change: c.68T>A on transcript NM_000166.6 (MANE Select); coding-DNA position 68, T replaced by A.
Protein change: p.Val23Glu; replaces valine 23 with glutamic acid.
Molecular consequence: missense variant.
Genome position (GRCh38, 1-based): chrX:71,223,775, T>A. VCF-style: chrX-71223775-T-A. GRCh37 (hg19) VCF-style: chrX-70443625-T-A.
Other names: c.68T>A, p.Val23Glu (NM_001097642.3); short protein forms V23E.
Identifiers: ClinVar variation 1044221 (VCV001044221.8), dbSNP rs1602348650, ClinGen allele CA413500723.
Genomic context (GRCh38, chrX:71,223,775, plus strand): 5'-GGACAGGTTTGTACACCTTGCTCAGTGGCGTGAACCGGCATTCTACTGCCATTGGCCGAG[T>A]ATGGCTCTCGGTCATCTTCATCTTCAGAATCATGGTGCTGGTGGTGGCTGCAGAGAGTGT-3'
Protein context (NP_000157.1, residues 13-33): VNRHSTAIGR[Val23Glu]WLSVIFIFRI

ClinVar aggregate classification (germline): Uncertain significance (1 of 4 stars; one submission).

Conditions:
Charcot-Marie-Tooth Neuropathy X. Identifiers: MedGen CN118851.

Submission:

Labcorp Genetics (formerly Invitae), Labcorp
Classification: Uncertain significance for Charcot-Marie-Tooth Neuropathy X. Last evaluated: 2022-06-13. Review status: criteria provided, single submitter. Criteria: Invitae Variant Classification Sherloc (09022015). Collection method: clinical testing. Allele origin: germline.
Comment: Algorithms developed to predict the effect of missense changes on protein structure and function are either unavailable or do not agree on the potential impact of this missense change (SIFT: "Deleterious"; PolyPhen-2: "Possibly Damaging"; Align-GVGD: "Class C0"). In summary, the available evidence is currently insufficient to determine the role of this variant in disease. Therefore, it has been classified as a Variant of Uncertain Significance. This variant disrupts the p.Val23 amino acid residue in GJB1. Other variant(s) that disrupt this residue have been determined to be pathogenic (PMID: 9187667, 17100997, 23011429). This suggests that this residue is clinically significant, and that variants that disrupt this residue are likely to be disease-causing. ClinVar contains an entry for this variant (Variation ID: 1044221). This variant has not been reported in the literature in individuals affected with GJB1-related conditions. This variant is not present in population databases (gnomAD no frequency). This sequence change replaces valine, which is neutral and non-polar, with glutamic acid, which is acidic and polar, at codon 23 of the GJB1 protein (p.Val23Glu).

Literature cited by the submitters: PubMed 9187667; PubMed 17100997; PubMed 23011429.